The following is an entry in ClinVar:

ClinVar aggregate classification (germline): Conflicting classifications of pathogenicity. Review status: criteria provided, conflicting classifications (1 of 4 stars). 8 submissions from 8 submitters: Uncertain significance (7); Benign (1). Last evaluated 2026-08-19.

Conditions:
BAP1-related disorder. Also called: BAP1-related condition.
BAP1-related tumor predisposition syndrome (TPDS1). Also called: Tumor susceptibility linked to germline BAP1 mutations; COMMON Syndrome; BAP1 tumor predisposition syndrome; TUMOR PREDISPOSITION SYNDROME 1. Identifiers: Orphanet 289539, MedGen C3280492, MONDO:0013692, OMIM 614327.
Kury-Isidor syndrome (KURIS). Identifiers: MedGen C5676925, MONDO:0859230, OMIM 619762.
Melanoma, uveal, susceptibility to, 2 (UVM2). Also called: Melanoma, uveal 2. Identifiers: Orphanet 39044, MedGen C1847723, MONDO:0011696, OMIM 606661.
Hereditary cancer-predisposing syndrome. Also called: Neoplastic Syndromes, Hereditary; Hereditary Cancer Syndrome; Tumor predisposition; Hereditary neoplastic syndrome. Identifiers: Orphanet 140162, MedGen C0027672, MeSH D009386, MONDO:0015356.

Allele frequency attached by ClinVar (database versions not stated): gnomAD exomes 0.00002 and 0.00006; ExAC 0.00005; ESP Exome Variant Server 0.00008; TOPMed 0.00013; gnomAD 0.00017.

Submissions (8):

PreventionGenetics, part of Exact Sciences
Classification: Uncertain significance for BAP1-related condition. Last evaluated: 2026-08-19. Review status: criteria provided, single submitter. Criteria: ACMG Guidelines, 2015. Collection method: clinical testing. Allele origin: germline.
Comment: The BAP1 c.404C>T variant is predicted to result in the amino acid substitution p.Pro135Leu. This variant was reported in an individual with renal cell carcinoma (Supp. Table 1B, Yngvadottir et al. 2022. PubMed ID: 35441217). This variant is reported in 0.040% of alleles in individuals of African descent in gnomAD. This variant has conflicting interpretations in ClinVar ranging from uncertain to likely benign (Variation ID: 472700). At this time, the clinical significance of this variant is uncertain due to the absence of conclusive functional and genetic evidence.

Labcorp Genetics (formerly Invitae), Labcorp
Classification: Uncertain significance for BAP1-related tumor predisposition syndrome. Last evaluated: 2026-01-31. Review status: criteria provided, single submitter. Criteria: Invitae Variant Classification Sherloc (09022015). Collection method: clinical testing. Allele origin: germline.
Comment: This sequence change replaces proline, which is neutral and non-polar, with leucine, which is neutral and non-polar, at codon 135 of the BAP1 protein (p.Pro135Leu). This variant is present in population databases (rs374928824, gnomAD 0.04%), and has an allele count higher than expected for a pathogenic variant. This missense change has been observed in individual(s) with BAP1-related cancer (PMID: 35441217). ClinVar contains an entry for this variant (Variation ID: 472700). Invitae Evidence Modeling of protein sequence and biophysical properties (such as structural, functional, and spatial information, amino acid conservation, physicochemical variation, residue mobility, and thermodynamic stability) indicates that this missense variant is not expected to disrupt BAP1 protein function with a negative predictive value of 80%. In summary, the available evidence is currently insufficient to determine the role of this variant in disease. Therefore, it has been classified as a Variant of Uncertain Significance.

Color Diagnostics, LLC DBA Color Health
Classification: Uncertain significance for Hereditary cancer-predisposing syndrome. Last evaluated: 2025-07-18. Review status: criteria provided, single submitter. Criteria: ACMG Guidelines, 2015. Collection method: clinical testing. Allele origin: germline.
Comment: This missense variant replaces proline with leucine at codon 135 of the BAP1 protein. Computational prediction is inconclusive regarding the impact of this variant on protein structure and function. To our knowledge, functional studies have not been performed for this variant. This variant has been reported in an individual affected with renal cell carcinoma (PMID: 35441217). This variant has been identified in 20/282880 chromosomes in the general population by the Genome Aggregation Database (gnomAD). The available evidence is insufficient to determine the role of this variant in disease conclusively. Therefore, this variant is classified as a Variant of Uncertain Significance.

Mayo Clinic Laboratories, Mayo Clinic
Classification: Uncertain significance. Last evaluated: 2024-12-16. Review status: criteria provided, single submitter. Criteria: ACMG Guidelines, 2015. Collection method: clinical testing. Allele origin: germline. Observed: 1 variant allele.

Fulgent Genetics
Classification: Uncertain significance for Melanoma, uveal, susceptibility to, 2; BAP1-related tumor predisposition syndrome; Kury-Isidor syndrome. Last evaluated: 2024-01-18. Review status: criteria provided, single submitter. Criteria: ACMG Guidelines, 2015. Collection method: clinical testing. Allele origin: germline.

Ambry Genetics
Classification: Benign for Hereditary cancer-predisposing syndrome. Last evaluated: 2023-12-08. Review status: criteria provided, single submitter. Criteria: Ambry Variant Classification Scheme 2023. Collection method: clinical testing. Allele origin: germline.

GeneDx
Classification: Uncertain significance. Last evaluated: 2023-12-06. Review status: criteria provided, single submitter. Criteria: GeneDx Variant Classification Process June 2021. Collection method: clinical testing. Allele origin: germline. Affected: yes.
Comment: In silico analysis supports that this missense variant has a deleterious effect on protein structure/function; Observed in an individual with clear cell renal carcinoma (PMID: 35441217); This variant is associated with the following publications: (PMID: 35441217)

Laboratorio de Genetica e Diagnostico Molecular, Hospital Israelita Albert Einstein
Classification: Uncertain significance. Last evaluated: 2022-01-24. Review status: criteria provided, single submitter. Criteria: ACMG Guidelines, 2015. Collection method: clinical testing. Allele origin: germline. Affected: yes.

Literature cited by the submitters: PubMed 35441217 (cited by 3 submitters).

NM_004656.4(BAP1):c.404C>T (p.Pro135Leu)

Gene: BAP1 (BRCA1 associated deubiquitinase 1; minus strand). Cytogenetic location: 3p21.1.
Variant type: single nucleotide variant.
Coding change: c.404C>T on transcript NM_004656.4 (MANE Select); coding-DNA position 404, C replaced by T.
Protein change: p.Pro135Leu; replaces proline 135 with leucine.
Molecular consequence: missense variant.
Genome position (GRCh38, 1-based): chr3:52,407,432, G>A on the plus strand (C>T on the coding strand, the complement: BAP1 is on the minus strand). VCF-style: chr3-52407432-G-A. GRCh37 (hg19) VCF-style: chr3-52441448-G-A.
Other names: p.Pro135Leu; c.404C>T (LRG_529t1); short protein forms P135L.
Identifiers: ClinVar variation 472700 (VCV000472700.29), dbSNP rs374928824, ClinGen allele CA2437087.
Genomic context (GRCh38, chr3:52,407,432, plus strand): 5'-ACATCAGCTCCCACAGCTCCCACACACCTGGCATGGCTATTATGGGCCTTGGCCAACTCC[G>A]GGGCATTGCCAATCGCATATCCTTTGCTCTACGGGGAAGAAAATAAGGCCGTATCAGAAT-3'
Protein context (NP_004647.1, residues 125-145): ESKGYAIGNA[Pro135Leu]ELAKAHNSHA